The following is an entry in ClinVar:

ClinVar aggregate classification (germline): Uncertain significance (1 of 4 stars; one submission).

Conditions:
Familial cutaneous telangiectasia and oropharyngeal predisposition cancer syndrome. Identifiers: Orphanet 313846, MedGen C3281203, MONDO:0013806, OMIM 614564.
Seckel syndrome 1 (SCKL1). Also called: MICROCEPHALIC PRIMORDIAL DWARFISM I. Identifiers: Orphanet 808, MedGen C4551474, MONDO:0008869, OMIM 210600.

Submission:

Juno Genomics, Hangzhou Juno Genomics, Inc
Classification: Uncertain significance for Familial cutaneous telangiectasia and oropharyngeal predisposition cancer syndrome; Seckel syndrome 1. Review status: criteria provided, single submitter. Criteria: ACMG Guidelines, 2015. Collection method: clinical testing. Allele origin: germline.
Comment: Missense variant in a gene that has a low rate of benign missense variation.;Multiple lines of computational evidence support a deleterious effect on the gene or gene product.;Absent from controls (or at extremely low frequency if recessive) in Genome Aggregation Database.

NM_001184.4(ATR):c.7105C>G (p.Pro2369Ala)

Gene: ATR (ATR checkpoint kinase; minus strand). Cytogenetic location: 3q23.
Variant type: single nucleotide variant.
Coding change: c.7105C>G on transcript NM_001184.4 (MANE Select); coding-DNA position 7105, C replaced by G.
Protein change: p.Pro2369Ala; replaces proline 2369 with alanine.
Molecular consequence: missense variant.
Genome position (GRCh38, 1-based): chr3:142,462,027, G>C on the plus strand (C>G on the coding strand, the complement: ATR is on the minus strand). VCF-style: chr3-142462027-G-C. GRCh37 (hg19) VCF-style: chr3-142180869-G-C.
Other names: c.6913C>G, p.Pro2305Ala (NM_001354579.2); short protein forms P2305A, P2369A.
Identifiers: ClinVar variation 5006563 (VCV005006563.2).